The following is an entry in ClinVar:

ClinVar aggregate classification (germline): Uncertain significance (1 of 4 stars; one submission).

Conditions:
EYS-related disorder. Also called: EYS-related condition.

gnomAD v4.1: 2 of 1,612,206 alleles (0.00012%); highest among the groups gnomAD compares: Non-Finnish European, 0.00017%; no homozygotes.

Submission:

PreventionGenetics, part of Exact Sciences
Classification: Uncertain significance for EYS-related condition. Last evaluated: 2026-08-21. Review status: criteria provided, single submitter. Criteria: ACMG Guidelines, 2015. Collection method: clinical testing. Allele origin: germline.
Comment: The EYS c.1664T>C variant is predicted to result in the amino acid substitution p.Phe555Ser. To our knowledge, this variant has not been reported in the literature or in a large population database (gnomAD), indicating this variant is rare. At this time, the clinical significance of this variant is uncertain due to the absence of conclusive functional and genetic evidence.

NM_001142800.2(EYS):c.1664T>C (p.Phe555Ser)

Gene: EYS (EGF-like photoreceptor maintenance factor; minus strand). Cytogenetic location: 6q12.
Variant type: single nucleotide variant.
Coding change: c.1664T>C on transcript NM_001142800.2 (MANE Select); coding-DNA position 1664, T replaced by C.
Protein change: p.Phe555Ser; replaces phenylalanine 555 with serine.
Molecular consequence: missense variant.
Genome position (GRCh38, 1-based): chr6:65,335,082, A>G on the plus strand (T>C on the coding strand, the complement: EYS is on the minus strand). VCF-style: chr6-65335082-A-G. GRCh37 (hg19) VCF-style: chr6-66044975-A-G.
Other names: c.1664T>C, p.Phe555Ser (NM_001142801.2, NM_001292009.2, NM_198283.2); short protein forms F555S.
Identifiers: ClinVar variation 4984114 (VCV004984114.1).